The following is an entry in ClinVar:

NM_018127.7(ELAC2):c.1521C>T (p.Ser507=)

Gene: ELAC2 (elaC ribonuclease Z 2; minus strand). Cytogenetic location: 17p12.
Variant type: single nucleotide variant.
Coding change: c.1521C>T on transcript NM_018127.7 (MANE Select); coding-DNA position 1521, C replaced by T.
Protein change: p.Ser507=; no amino-acid change (serine 507 retained).
Molecular consequence: synonymous variant.
Genome position (GRCh38, 1-based): chr17:12,996,685, G>A on the plus strand (C>T on the coding strand, the complement: ELAC2 is on the minus strand). VCF-style: chr17-12996685-G-A. GRCh37 (hg19) VCF-style: chr17-12900002-G-A.
Other names: c.1401C>T, p.Ser467= (NM_001165962.2); c.1518C>T, p.Ser506= (NM_173717.2).
Identifiers: ClinVar variation 515748 (VCV000515748.3), dbSNP rs772549996, ClinGen allele CA8401163.

ClinVar aggregate classification (germline): Conflicting classifications of pathogenicity. Review status: criteria provided, conflicting classifications (1 of 4 stars). 2 submissions from 2 submitters: Uncertain significance (1); Likely benign (1). Last evaluated 2022-07-18.

Conditions:
Combined oxidative phosphorylation defect type 17. Also called: Combined oxidative phosphorylation deficiency 17. Identifiers: Orphanet 369913, MedGen C3809526, MONDO:0014190, OMIM 615440.

Allele frequency attached by ClinVar (database versions not stated): gnomAD exomes 0.00001 and 0.00003; TOPMed 0.00001; ExAC 0.00004.
gnomAD v4.1: 9 of 1,613,158 alleles (0.00056%); highest among the groups gnomAD compares: Middle Eastern, 0.017%; no homozygotes.

Submissions (2):

Labcorp Genetics (formerly Invitae), Labcorp
Classification: Uncertain significance for Combined oxidative phosphorylation defect type 17. Last evaluated: 2022-07-18. Review status: criteria provided, single submitter. Criteria: Invitae Variant Classification Sherloc (09022015). Collection method: clinical testing. Allele origin: germline.
Comment: This sequence change affects codon 507 of the ELAC2 mRNA. It is a 'silent' change, meaning that it does not change the encoded amino acid sequence of the ELAC2 protein. It affects a nucleotide within the consensus splice site. This variant is present in population databases (rs772549996, gnomAD 0.01%). This variant has not been reported in the literature in individuals affected with ELAC2-related conditions. ClinVar contains an entry for this variant (Variation ID: 515748). Algorithms developed to predict the effect of sequence changes on RNA splicing suggest that this variant is not likely to affect RNA splicing. In summary, the available evidence is currently insufficient to determine the role of this variant in disease. Therefore, it has been classified as a Variant of Uncertain Significance.

GeneDx
Classification: Likely benign. Last evaluated: 2018-03-07. Review status: criteria provided, single submitter. Criteria: GeneDx Variant Classification (06012015). Collection method: clinical testing. Allele origin: germline. Affected: yes.
Comment: This variant is considered likely benign or benign based on one or more of the following criteria: it is a conservative change, it occurs at a poorly conserved position in the protein, it is predicted to be benign by multiple in silico algorithms, and/or has population frequency not consistent with disease.